The following is an entry in ClinVar:

ClinVar aggregate classification (germline): Likely pathogenic (1 of 4 stars; one submission).

Conditions:
Hearing loss, autosomal recessive. Also called: Deafness, autosomal recessive; Autosomal recessive nonsyndromic deafness; Nonsyndromic Hearing Loss, Recessive; Rare autosomal recessive non-syndromic sensorineural deafness type DFNB. Identifiers: Orphanet 90635, Orphanet 90636, MedGen C1846647, MONDO:0019588, OMIM 607197.

Submission:

Illumina Laboratory Services, Illumina
Classification: Likely pathogenic for Nonsyndromic hearing loss, recessive. Last evaluated: 2020-01-08. Review status: criteria provided, single submitter. Criteria: ICSLVariantClassificationCriteria RUGD 01 April 2020. Collection method: clinical testing. Allele origin: unknown.
Comment: The OTOGL c.823_824insCATCGCTATGTTTGCA (p.Asn275ThrfsTer7) variant results in a frameshift and is predicted to result in a premature truncation of the protein. A literature search was performed for the gene, cDNA change, and amino acid change. No publications were found based on this search. The p.Asn275ThrfsTer7 variant is reported at a frequency of 0.000038 in the South Asian population of the Genome Aggregation Database, but this is based on one allele in a region of good sequence coverage, so the variant is presumed to be rare. Based on the predicted truncating nature of the variant and absence from population frequency databases, the p.Asn275ThrfsTer7 variant is classified as likely pathogenic for autosomal recessive nonsyndromic hearing loss.

NM_001378609.3(OTOGL):c.850_851insCATCGCTATGTTTGCA (p.Asn284fs)

Gene: OTOGL (otogelin like; plus strand). Cytogenetic location: 12q21.31.
Variant type: Insertion.
Coding change: c.850_851insCATCGCTATGTTTGCA on transcript NM_001378609.3 (MANE Select); coding-DNA positions 850 to 851, CATCGCTATGTTTGCA inserted.
Protein change: p.Asn284fs; shifts the reading frame from asparagine 284.
Molecular consequence: frameshift variant.
Genome position: GRCh38 VCF-style: chr12-80238882-A-AACATCGCTATGTTTGC. GRCh37 (hg19) VCF-style: chr12-80632662-A-AACATCGCTATGTTTGC.
Other names: c.850_851insCATCGCTATGTTTGCA, p.Asn284fs (NM_001368062.3, NM_001378610.3, NM_173591.7); short protein forms N284fs.
Identifiers: ClinVar variation 873527 (VCV000873527.4), dbSNP rs1565920060, ClinGen allele CA606188105.